The following is an entry in ClinVar:

NM_001035.3(RYR2):c.13771T>C (p.Tyr4591His)

Gene: RYR2 (ryanodine receptor 2; plus strand). Cytogenetic location: 1q43.
Variant type: single nucleotide variant.
Coding change: c.13771T>C on transcript NM_001035.3 (MANE Select); coding-DNA position 13771, T replaced by C.
Protein change: p.Tyr4591His; replaces tyrosine 4591 with histidine.
Molecular consequence: missense variant.
Genome position (GRCh38, 1-based): chr1:237,792,312, T>C. VCF-style: chr1-237792312-T-C. GRCh37 (hg19) VCF-style: chr1-237955612-T-C.
Other names: short protein forms Y4591H.
Identifiers: ClinVar variation 3000571 (VCV003000571.3), dbSNP rs1489021820, ClinGen allele CA345417704.
Genomic context (GRCh38, chr1:237,792,312, plus strand): 5'-ACGTTGCGTATCTTAGCTATTCTGCACACGGTCATTTCTTTCTTCTGCATCATTGGATAC[T>C]ACTGCTTGAAAGTAAGATAGTAAGGCACCAAGGTACCTGTGTGTGTGTGTGTGTGTGTGT-3'
Protein context (NP_001026.2, residues 4581-4601): VISFFCIIGY[Tyr4591His]CLKVPLVIFK

ClinVar aggregate classification (germline): Uncertain significance (1 of 4 stars; one submission).

Conditions:
Catecholaminergic polymorphic ventricular tachycardia 1. Also called: RYR2-Related Catecholaminergic Polymorphic Ventricular Tachycardia; VENTRICULAR TACHYCARDIA, STRESS-INDUCED POLYMORPHIC 1; VENTRICULAR TACHYCARDIA, CATECHOLAMINERGIC POLYMORPHIC, 1, WITH OR WITHOUT ATRIAL DYSFUNCTION AND/OR DILATED CARDIOMYOPATHY. Identifiers: Orphanet 3286, MedGen C1631597, MONDO:0011484, OMIM 604772.

Allele frequency attached by ClinVar (database versions not stated): gnomAD exomes below 0.00001; TOPMed below 0.00001; gnomAD 0.00001.
gnomAD v4.1: 6 of 1,607,664 alleles (0.00037%); highest among the groups gnomAD compares: Non-Finnish European, 0.00051%; no homozygotes.

Submission:

Labcorp Genetics (formerly Invitae), Labcorp
Classification: Uncertain significance for Catecholaminergic polymorphic ventricular tachycardia 1. Last evaluated: 2023-04-24. Review status: criteria provided, single submitter. Criteria: Invitae Variant Classification Sherloc (09022015). Collection method: clinical testing. Allele origin: germline.
Comment: In summary, the available evidence is currently insufficient to determine the role of this variant in disease. Therefore, it has been classified as a Variant of Uncertain Significance. Advanced modeling of protein sequence and biophysical properties (such as structural, functional, and spatial information, amino acid conservation, physicochemical variation, residue mobility, and thermodynamic stability) performed at Invitae indicates that this missense variant is expected to disrupt RYR2 protein function. This variant has not been reported in the literature in individuals affected with RYR2-related conditions. This variant is present in population databases (no rsID available, gnomAD 0.0009%). This sequence change replaces tyrosine, which is neutral and polar, with histidine, which is basic and polar, at codon 4591 of the RYR2 protein (p.Tyr4591His).